The following is an entry in ClinVar:

ClinVar aggregate classification (germline): Uncertain significance (1 of 4 stars; one submission).

Allele frequency attached by ClinVar (database versions not stated): TOPMed 0.00002; gnomAD 0.00001; ExAC 0.00004.

Submission:

Labcorp Genetics (formerly Invitae), Labcorp
Classification: Uncertain significance. Last evaluated: 2025-04-03. Review status: criteria provided, single submitter. Criteria: Invitae Variant Classification Sherloc (09022015). Collection method: clinical testing. Allele origin: germline.
Comment: This sequence change replaces alanine, which is neutral and non-polar, with valine, which is neutral and non-polar, at codon 361 of the NKX2-1 protein (p.Ala361Val). The frequency data for this variant in the population databases is considered unreliable, as metrics indicate poor data quality at this position in the gnomAD database. This variant has not been reported in the literature in individuals affected with NKX2-1-related conditions. ClinVar contains an entry for this variant (Variation ID: 2734100). An algorithm developed to predict the effect of missense changes on protein structure and function (PolyPhen-2) suggests that this variant is likely to be tolerated. In summary, the available evidence is currently insufficient to determine the role of this variant in disease. Therefore, it has been classified as a Variant of Uncertain Significance.

NM_001079668.3(NKX2-1):c.1082C>T (p.Ala361Val)

Genes: NKX2-1 (NK2 homeobox 1; minus strand), SFTA3 (surfactant associated 3; minus strand). Cytogenetic location: 14q13.3.
Variant type: single nucleotide variant.
Coding change: c.1082C>T on transcript NM_001079668.3 (MANE Select); coding-DNA position 1082, C replaced by T.
Protein change: p.Ala361Val; replaces alanine 361 with valine.
Molecular consequence: missense variant.
Genome position (GRCh38, 1-based): chr14:36,517,402, G>A on the plus strand (C>T on the coding strand, the complement: NKX2-1 is on the minus strand). VCF-style: chr14-36517402-G-A. GRCh37 (hg19) VCF-style: chr14-36986607-G-A.
Other names: c.992C>T, p.Ala331Val (NM_003317.4); short protein forms A331V, A361V.
Identifiers: ClinVar variation 2734100 (VCV002734100.3), dbSNP rs768666323, ClinGen allele CA7158421.